The following is an entry in ClinVar:

ClinVar aggregate classification (germline): Pathogenic (0 of 4 stars; one submission).

Conditions:
Arterial calcification, generalized, of infancy, 2. Identifiers: Orphanet 51608, MedGen C3276161, MONDO:0013768, OMIM 614473.
Autosomal recessive inherited pseudoxanthoma elasticum (PXE). Identifiers: Orphanet 758, MedGen CN032334, MONDO:0009925, OMIM 264800.
Pseudoxanthoma elasticum, forme fruste. Also called: Pseudoxanthoma Elasticum, Incomplete; PSEUDOXANTHOMA ELASTICUM, HETEROZYGOUS. Identifiers: Orphanet 758, MedGen C1867450, MONDO:0008333, OMIM 177850.

Submission:

Fulgent Genetics
Classification: Pathogenic for Pseudoxanthoma elasticum, forme fruste; Autosomal recessive inherited pseudoxanthoma elasticum; Arterial calcification, generalized, of infancy, 2. Review status: no assertion criteria provided. Collection method: clinical testing. Allele origin: unknown.
Comment: This variant has been detected in individual(s) who were sent for testing of Renasight - kidney gene panel.

GRCh37/hg19 16p13.11(chr16:16248464-16259810)

Gene: ABCC6 (ATP binding cassette subfamily C member 6; minus strand). Cytogenetic location: 16p13.11.
Variant type: copy number loss.
Identifiers: ClinVar variation 1179156 (VCV001179156.2).